The following is an entry in ClinVar:

NM_174936.4(PCSK9):c.189del (p.Phe64fs)

Gene: PCSK9 (proprotein convertase subtilisin/kexin type 9; plus strand). Cytogenetic location: 1p32.3.
Variant type: Deletion.
Coding change: c.189del on transcript NM_174936.4 (MANE Select); coding-DNA position 189, one base deleted (C; older notation c.189delC).
Protein change: p.Phe64fs; shifts the reading frame from phenylalanine 64.
Molecular consequence: frameshift variant.
Genome position (GRCh38, 1-based): chr1:55,040,026, C deleted; the last of 2 consecutive C bases (chr1:55,040,025-55,040,026); deleting either gives the same sequence. VCF-style (leftmost placement, unchanged base first): chr1-55040024-AC-A. GRCh37 (hg19) VCF-style: chr1-55505697-AC-A.
Other names: c.189delC, p.Phe64Serfs (NM_001407240.1, NM_001407241.1, NM_001407242.1 and 4 more transcripts); c.-546delC (NM_001407246.1); short protein forms F64fs.
Identifiers: ClinVar variation 2048752 (VCV002048752.1), dbSNP rs1293660596, ClinGen allele CA522960418.

ClinVar aggregate classification (germline): Uncertain significance (1 of 4 stars; one submission).

Conditions:
Hypercholesterolemia, autosomal dominant, 3 (FHCL3). Also called: Familial Hypercholesterolemia, Autosomal Dominant, 3; PCSK9-Related Familial Hypercholesterolemia, Autosomal Dominant; Familial hypercholesterolemia 3. Identifiers: MedGen C1863551, MONDO:0011369, OMIM 603776.

Submission:

Labcorp Genetics (formerly Invitae), Labcorp
Classification: Uncertain significance for Hypercholesterolemia, autosomal dominant, 3. Last evaluated: 2022-05-07. Review status: criteria provided, single submitter. Criteria: Invitae Variant Classification Sherloc (09022015). Collection method: clinical testing. Allele origin: germline.
Comment: This sequence change creates a premature translational stop signal (p.Phe64Serfs*19) in the PCSK9 gene. It is expected to result in an absent or disrupted protein product. However, the current clinical and genetic evidence is not sufficient to establish whether loss-of-function variants in PCSK9 cause disease. This variant is present in population databases (no rsID available, gnomAD 0.001%). This variant has not been reported in the literature in individuals affected with PCSK9-related conditions. In summary, the available evidence is currently insufficient to determine the role of this variant in disease. Therefore, it has been classified as a Variant of Uncertain Significance.